The following is an entry in ClinVar:

NM_001164508.2(NEB):c.2998C>G (p.Pro1000Ala)

Gene: NEB (nebulin; minus strand). Cytogenetic location: 2q23.3.
Variant type: single nucleotide variant.
Coding change: c.2998C>G on transcript NM_001164508.2 (MANE Select); coding-DNA position 2998, C replaced by G.
Protein change: p.Pro1000Ala; replaces proline 1000 with alanine.
Molecular consequence: missense variant.
Genome position (GRCh38, 1-based): chr2:151,680,774, G>C on the plus strand (C>G on the coding strand, the complement: NEB is on the minus strand). VCF-style: chr2-151680774-G-C. GRCh37 (hg19) VCF-style: chr2-152537288-G-C.
Other names: c.2998C>G, p.Pro1000Ala (NM_001164507.2, NM_001271208.2, NM_004543.5); short protein forms P1000A.
Identifiers: ClinVar variation 1020239 (VCV001020239.8), dbSNP rs763910385, ClinGen allele CA348821078.

ClinVar aggregate classification (germline): Uncertain significance (1 of 4 stars; one submission).

Conditions:
Nemaline myopathy 2 (NEM2). Also called: Nemaline myopathy 2, autosomal recessive. Identifiers: MedGen C1850569, MONDO:0009725, OMIM 256030.

Submission:

Labcorp Genetics (formerly Invitae), Labcorp
Classification: Uncertain significance for Nemaline myopathy 2. Last evaluated: 2022-06-27. Review status: criteria provided, single submitter. Criteria: Invitae Variant Classification Sherloc (09022015). Collection method: clinical testing. Allele origin: germline.
Comment: This sequence change replaces proline, which is neutral and non-polar, with alanine, which is neutral and non-polar, at codon 1000 of the NEB protein (p.Pro1000Ala). In summary, the available evidence is currently insufficient to determine the role of this variant in disease. Therefore, it has been classified as a Variant of Uncertain Significance. Algorithms developed to predict the effect of missense changes on protein structure and function are either unavailable or do not agree on the potential impact of this missense change (SIFT: "Deleterious"; PolyPhen-2: "Not Available"; Align-GVGD: "Class C0"). ClinVar contains an entry for this variant (Variation ID: 1020239). This variant has not been reported in the literature in individuals affected with NEB-related conditions. This variant is not present in population databases (gnomAD no frequency).